The following is an entry in ClinVar:

ClinVar aggregate classification (germline): Pathogenic (1 of 4 stars; one submission).

Conditions:
Ellis-van Creveld syndrome (EVC). Also called: Chondroectodermal dysplasia; EVC-Related Ellis-van Creveld Syndrome; EVC2-Related Ellis-van Creveld Syndrome; MESOECTODERMAL DYSPLASIA. Identifiers: Orphanet 289, MedGen C0013903, MONDO:0009162, OMIM 225500.
Curry-Hall syndrome (WAD). Also called: WEYERS ACRODENTAL DYSOSTOSIS. Identifiers: Orphanet 952, MedGen C0457013, MONDO:0008673, OMIM 193530.

Submission:

Labcorp Genetics (formerly Invitae), Labcorp
Classification: Pathogenic for Curry-Hall syndrome; Ellis-van Creveld syndrome. Last evaluated: 2021-09-04. Review status: criteria provided, single submitter. Criteria: Invitae Variant Classification Sherloc (09022015). Collection method: clinical testing. Allele origin: germline.
Comment: This variant is not present in population databases (ExAC no frequency). This sequence change creates a premature translational stop signal (p.Phe902Serfs*26) in the EVC gene. It is expected to result in an absent or disrupted protein product. Loss-of-function variants in EVC are known to be pathogenic (PMID: 23220543). This variant has not been reported in the literature in individuals affected with EVC-related conditions. For these reasons, this variant has been classified as Pathogenic.

Literature cited by the submitters: PubMed 23220543.

NM_153717.3(EVC):c.2705del (p.Phe902fs)

Gene: EVC (EvC ciliary complex subunit 1; plus strand). Cytogenetic location: 4p16.2.
Variant type: Deletion.
Coding change: c.2705del on transcript NM_153717.3 (MANE Select); coding-DNA position 2705, one base deleted (T; older notation c.2705delT).
Protein change: p.Phe902fs; shifts the reading frame from phenylalanine 902.
Molecular consequence: frameshift variant.
Genome position (GRCh38, 1-based): chr4:5,809,534, T deleted; the last of 2 consecutive T bases (chr4:5,809,533-5,809,534); deleting either gives the same sequence. VCF-style (leftmost placement, unchanged base first): chr4-5809532-CT-C. GRCh37 (hg19) VCF-style: chr4-5811259-CT-C.
Other names: c.2705del, p.Phe902fs (NM_001306090.2); short protein forms F902fs.
Identifiers: ClinVar variation 1385574 (VCV001385574.7), dbSNP rs2152391901, ClinGen allele CA2573138275.